The following is an entry in ClinVar:

NM_198578.4(LRRK2):c.6959G>A (p.Gly2320Asp)

Gene: LRRK2 (leucine rich repeat kinase 2; plus strand). Cytogenetic location: 12q12.
Variant type: single nucleotide variant.
Coding change: c.6959G>A on transcript NM_198578.4 (MANE Select); coding-DNA position 6959, G replaced by A.
Protein change: p.Gly2320Asp; replaces glycine 2320 with aspartic acid.
Molecular consequence: missense variant.
Genome position (GRCh38, 1-based): chr12:40,359,375, G>A. VCF-style: chr12-40359375-G-A. GRCh37 (hg19) VCF-style: chr12-40753177-G-A.
Other names: short protein forms G2320D.
Identifiers: ClinVar variation 2453055 (VCV002453055.2), dbSNP rs2500012363, ClinGen allele CA384411891.

ClinVar aggregate classification (germline): Uncertain significance (1 of 4 stars; one submission).

Conditions:
Inborn genetic diseases. Identifiers: MedGen C0950123, MeSH D030342.

Submission:

Ambry Genetics
Classification: Uncertain significance for Inborn genetic diseases. Last evaluated: 2022-12-18. Review status: criteria provided, single submitter. Criteria: Ambry Variant Classification Scheme 2023. Collection method: clinical testing. Allele origin: germline.
Comment: The p.G2320D variant (also known as c.6959G>A), located in coding exon 47 of the LRRK2 gene, results from a G to A substitution at nucleotide position 6959. The glycine at codon 2320 is replaced by aspartic acid, an amino acid with similar properties. This amino acid position is conserved. In addition, the in silico prediction for this alteration is inconclusive. Since supporting evidence is limited at this time, the clinical significance of this alteration remains unclear.